The following is an entry in ClinVar:

NM_004655.4(AXIN2):c.722_743del (p.Cys241fs)

Gene: AXIN2 (axin 2; minus strand). Cytogenetic location: 17q24.1.
Variant type: Deletion.
Coding change: c.722_743del on transcript NM_004655.4 (MANE Select); coding-DNA positions 722 to 743, 22 bases deleted (GCAAACTTTCGCCAACCGTGGT).
Protein change: p.Cys241fs; shifts the reading frame from cysteine 241.
Molecular consequence: frameshift variant.
Genome position (GRCh38, 1-based): chr17:65,557,878-65,557,899, ACCACGGTTGGCGAAAGTTTGC deleted on the plus strand (GCAAACTTTCGCCAACCGTGGT on the coding strand, the reverse complement: AXIN2 is on the minus strand); deleting any 22 consecutive bases within chr17:65,557,878-65,557,901 gives the same sequence; the c. name uses the placement nearest the transcript's 3' end. VCF-style (leftmost placement, unchanged base first): chr17-65557877-AACCACGGTTGGCGAAAGTTTGC-A. GRCh37 (hg19) VCF-style: chr17-63553995-AACCACGGTTGGCGAAAGTTTGC-A.
Other names: c.722_743del, p.Cys241fs (NM_001363813.1); c.722_743del22 (NM_004655.3); short protein forms C241fs.
Identifiers: ClinVar variation 3981040 (VCV003981040.1).

ClinVar aggregate classification (germline): Pathogenic (1 of 4 stars; one submission).

Conditions:
Hereditary cancer-predisposing syndrome. Also called: Tumor predisposition; Hereditary neoplastic syndrome; Neoplastic Syndromes, Hereditary; Hereditary Cancer Syndrome. Identifiers: Orphanet 140162, MedGen C0027672, MeSH D009386, MONDO:0015356.

Submission:

Ambry Genetics
Classification: Pathogenic for Hereditary cancer-predisposing syndrome. Last evaluated: 2025-05-18. Review status: criteria provided, single submitter. Criteria: Ambry Variant Classification Scheme 2023. Collection method: clinical testing. Allele origin: germline.
Comment: The c.722_743del22 pathogenic mutation, located in coding exon 1 of the AXIN2 gene, results from a deletion of 22 nucleotides at nucleotide positions 722 to 743, causing a translational frameshift with a predicted alternate stop codon (p.C241Lfs*8). This variant is considered to be rare based on population cohorts in the Genome Aggregation Database (gnomAD). This alteration is expected to result in loss of function by premature protein truncation or nonsense-mediated mRNA decay. As such, this alteration is interpreted as a disease-causing mutation.